The following is an entry in ClinVar:

ClinVar aggregate classification (germline): Likely benign (1 of 4 stars; one submission).

Conditions:
SRPRA-related disorder. Also called: SRPRA-related condition.

Submission:

PreventionGenetics, part of Exact Sciences
Classification: Likely benign for SRPRA-related condition. Last evaluated: 2026-01-13. Review status: criteria provided, single submitter. Criteria: ACMG Guidelines, 2015. Collection method: clinical testing. Allele origin: germline.
Comment: This variant is classified as likely benign based on ACMG/AMP sequence variant interpretation guidelines (Richards et al. 2015 PMID: 25741868, with internal and published modifications).

NM_003139.4(SRPRA):c.1272C>T (p.Cys424=)

Gene: SRPRA (SRP receptor subunit alpha; minus strand). Cytogenetic location: 11q24.2.
Variant type: single nucleotide variant.
Coding change: c.1272C>T on transcript NM_003139.4 (MANE Select); coding-DNA position 1272, C replaced by T.
Protein change: p.Cys424=; no amino-acid change (cysteine 424 retained).
Molecular consequence: synonymous variant.
Genome position (GRCh38, 1-based): chr11:126,265,307, G>A on the plus strand (C>T on the coding strand, the complement: SRPRA is on the minus strand). VCF-style: chr11-126265307-G-A. GRCh37 (hg19) VCF-style: chr11-126135202-G-A.
Other names: c.1188C>T, p.Cys396= (NM_001177842.2).
Identifiers: ClinVar variation 4990164 (VCV004990164.1).